The following is an entry in ClinVar:

ClinVar aggregate classification (germline): Likely benign (0 of 4 stars; one submission).

Conditions:
FAT3-related disorder. Also called: FAT3-related condition.

Allele frequency attached by ClinVar (database versions not stated): gnomAD exomes 0.00012; ExAC 0.00041; ESP Exome Variant Server 0.00124; gnomAD 0.00152; TOPMed 0.00170; 1000 Genomes Project 30x 0.00203; 1000 Genomes Project 0.00240.

Submission:

PreventionGenetics, part of Exact Sciences
Classification: Likely benign for FAT3-related condition. Last evaluated: 2019-09-24. Review status: no assertion criteria provided. Collection method: clinical testing. Allele origin: germline.
Comment: This variant is classified as likely benign based on ACMG/AMP sequence variant interpretation guidelines (Richards et al. 2015 PMID: 25741868, with internal and published modifications).

NM_001367949.2(FAT3):c.138C>A (p.Ser46=)

Gene: FAT3 (FAT atypical cadherin 3; plus strand). Cytogenetic location: 11q14.3.
Variant type: single nucleotide variant.
Coding change: c.138C>A on transcript NM_001367949.2 (MANE Select); coding-DNA position 138, C replaced by A.
Protein change: p.Ser46=; no amino-acid change (serine 46 retained).
Molecular consequence: synonymous variant.
Genome position (GRCh38, 1-based): chr11:92,352,250, C>A. VCF-style: chr11-92352250-C-A. GRCh37 (hg19) VCF-style: chr11-92085416-C-A.
Other names: c.138C>A, p.Ser46= (NM_001008781.3, NM_001378141.1).
Identifiers: ClinVar variation 3040195 (VCV003040195.2), dbSNP rs138287952, ClinGen allele CA6226059.